The following is an entry in ClinVar:

ClinVar aggregate classification (germline): Uncertain significance. Review status: criteria provided, multiple submitters, no conflicts (2 of 4 stars). 3 submissions from 3 submitters: Uncertain significance (3). Last evaluated 2024-12-17.

Conditions:
Oligodontia-cancer predisposition syndrome. Also called: TOOTH AGENESIS-COLORECTAL CANCER SYNDROME. Identifiers: Orphanet 300576, MedGen C1837750, MONDO:0012075, OMIM 608615. Disease mechanism: loss of function.
Colorectal cancer. Also called: Colorectal cancer, somatic; Malignant Colorectal Neoplasm. Identifiers: MedGen C0346629, MONDO:0005575, OMIM 114500.
Hereditary cancer-predisposing syndrome. Also called: Neoplastic Syndromes, Hereditary; Tumor predisposition; Hereditary neoplastic syndrome; Hereditary Cancer Syndrome. Identifiers: Orphanet 140162, MedGen C0027672, MeSH D009386, MONDO:0015356.

Allele frequency attached by ClinVar (database versions not stated): TOPMed below 0.00001.

Submissions (3):

Labcorp Genetics (formerly Invitae), Labcorp
Classification: Uncertain significance for Oligodontia-cancer predisposition syndrome. Last evaluated: 2024-12-17. Review status: criteria provided, single submitter. Criteria: Invitae Variant Classification Sherloc (09022015). Collection method: clinical testing. Allele origin: germline.
Comment: This sequence change replaces glycine, which is neutral and non-polar, with alanine, which is neutral and non-polar, at codon 61 of the AXIN2 protein (p.Gly61Ala). This variant is not present in population databases (gnomAD no frequency). This variant has not been reported in the literature in individuals affected with AXIN2-related conditions. ClinVar contains an entry for this variant (Variation ID: 566393). Invitae Evidence Modeling of protein sequence and biophysical properties (such as structural, functional, and spatial information, amino acid conservation, physicochemical variation, residue mobility, and thermodynamic stability) has been performed for this missense variant. However, the output from this modeling did not meet the statistical confidence thresholds required to predict the impact of this variant on AXIN2 protein function. In summary, the available evidence is currently insufficient to determine the role of this variant in disease. Therefore, it has been classified as a Variant of Uncertain Significance.

Baylor Genetics
Classification: Uncertain significance for Colorectal cancer. Last evaluated: 2024-03-11. Review status: criteria provided, single submitter. Criteria: ACMG Guidelines, 2015. Collection method: clinical testing. Allele origin: unknown.

Ambry Genetics
Classification: Uncertain significance for Hereditary cancer-predisposing syndrome. Last evaluated: 2024-01-10. Review status: criteria provided, single submitter. Criteria: Ambry Variant Classification Scheme 2023. Collection method: clinical testing. Allele origin: germline.
Comment: The p.G61A variant (also known as c.182G>C), located in coding exon 1 of the AXIN2 gene, results from a G to C substitution at nucleotide position 182. The glycine at codon 61 is replaced by alanine, an amino acid with similar properties. This amino acid position is well conserved in available vertebrate species. In addition, the in silico prediction for this alteration is inconclusive. Since supporting evidence is limited at this time, the clinical significance of this alteration remains unclear.

NM_004655.4(AXIN2):c.182G>C (p.Gly61Ala)

Gene: AXIN2 (axin 2; minus strand). Cytogenetic location: 17q24.1.
Variant type: single nucleotide variant.
Coding change: c.182G>C on transcript NM_004655.4 (MANE Select); coding-DNA position 182, G replaced by C.
Protein change: p.Gly61Ala; replaces glycine 61 with alanine.
Molecular consequence: missense variant.
Genome position (GRCh38, 1-based): chr17:65,558,439, C>G on the plus strand (G>C on the coding strand, the complement: AXIN2 is on the minus strand). VCF-style: chr17-65558439-C-G. GRCh37 (hg19) VCF-style: chr17-63554557-C-G.
Other names: c.182G>C (LRG_296t1); c.182G>C, p.Gly61Ala (NM_001363813.1); short protein forms G61A.
Identifiers: ClinVar variation 566393 (VCV000566393.14), dbSNP rs1018815193, ClinGen allele CA293107251.
Genomic context (GRCh38, chr17:65,558,439, plus strand): 5'-GACTTGGTCCACCGGGTCAGAGGGGAATCCGGAGATGCCCGCCCCTCCGGCTCCCCCAAC[C>G]CATCTTCGTTCCGCCTGGTGTTGGAAGAGACAGGCATGGGTTTGGTGACCTGGCCCTTGC-3'
Protein context (NP_004646.3, residues 51-71): VSSNTRRNED[Gly61Ala]LGEPEGRASP